The following is an entry in ClinVar:

NM_016204.4(GDF2):c.1023G>C (p.Trp341Cys)

Gene: GDF2 (growth differentiation factor 2; plus strand). Cytogenetic location: 10q11.22.
Variant type: single nucleotide variant.
Coding change: c.1023G>C on transcript NM_016204.4 (MANE Select); coding-DNA position 1023, G replaced by C.
Protein change: p.Trp341Cys; replaces tryptophan 341 with cysteine.
Molecular consequence: missense variant.
Genome position (GRCh38, 1-based): chr10:47,325,517, G>C. VCF-style: chr10-47325517-G-C. GRCh37 (hg19) VCF-style: chr10-48413845-C-G.
Other names: short protein forms W341C.
Identifiers: ClinVar variation 474669 (VCV000474669.8), dbSNP rs1555209063, ClinGen allele CA376657549.

ClinVar aggregate classification (germline): Uncertain significance (1 of 4 stars; one submission).

Conditions:
Telangiectasia, hereditary hemorrhagic, type 5 (HHT5). Identifiers: Orphanet 774, MedGen C3809710, MONDO:0014217, OMIM 615506.

Submission:

Labcorp Genetics (formerly Invitae), Labcorp
Classification: Uncertain significance for Telangiectasia, hereditary hemorrhagic, type 5. Last evaluated: 2016-10-16. Review status: criteria provided, single submitter. Criteria: Invitae Variant Classification Sherloc (09022015). Collection method: clinical testing. Allele origin: germline.
Comment: This sequence change replaces tryptophan with cysteine at codon 341 of the GDF2 protein (p.Trp341Cys). The tryptophan residue is highly conserved and there is a large physicochemical difference between tryptophan and cysteine. This variant is not present in population databases (ExAC no frequency) and has not been reported in the literature in individuals with a GDF2-related disease. Algorithms developed to predict the effect of missense changes on protein structure and function (SIFT, PolyPhen-2, Align-GVGD) all suggest that this variant is likely to be disruptive, but these predictions have not been confirmed by published functional studies. In summary, this variant is a novel missense change with uncertain impact on protein function. It has been classified as a Variant of Uncertain Significance.